The following is an entry in ClinVar:

NM_001353921.2(ARHGEF9):c.1533C>G (p.Phe511Leu)

Gene: ARHGEF9 (Cdc42 guanine nucleotide exchange factor 9; minus strand). Cytogenetic location: Xq11.1.
Variant type: single nucleotide variant.
Coding change: c.1533C>G on transcript NM_001353921.2 (MANE Select); coding-DNA position 1533, C replaced by G.
Protein change: p.Phe511Leu; replaces phenylalanine 511 with leucine.
Molecular consequence: missense variant. On other transcripts: 3 prime UTR variant (2).
Genome position (GRCh38, 1-based): chrX:63,638,067, G>C on the plus strand (C>G on the coding strand, the complement: ARHGEF9 is on the minus strand). VCF-style: chrX-63638067-G-C. GRCh37 (hg19) VCF-style: chrX-62857947-G-C.
Other names: c.1512C>G, p.Phe504Leu (NM_001369032.1, NM_001369030.1, NM_001369031.1 and 1 more transcripts); c.1449C>G, p.Phe483Leu (NM_001369033.1, NM_001369034.1, NM_001369037.1 and 4 more transcripts); c.1332C>G, p.Phe444Leu (NM_001369039.1, NM_001369040.1, NM_001353924.2 and 1 more transcripts); c.1380C>G, p.Phe460Leu (NM_001353928.2); c.1401C>G, p.Phe467Leu (NM_001353922.2); c.1551C>G, p.Phe517Leu (NM_001353923.1); c.1317C>G, p.Phe439Leu (NM_001353927.2, NM_001369041.1); c.1353C>G, p.Phe451Leu (NM_001173479.2); and 3 more; short protein forms F322L, F517L, F444L, F451L, F402L, F467L, F483L, F504L.
Identifiers: ClinVar variation 1346232 (VCV001346232.8), dbSNP rs1556300785, ClinGen allele CA413401022.

ClinVar aggregate classification (germline): Uncertain significance (1 of 4 stars; one submission).

Conditions:
Developmental and epileptic encephalopathy, 8 (DEE8). Also called: HYPEREKPLEXIA AND EPILEPSY. Identifiers: Orphanet 163985, Orphanet 2076, MedGen C1845102, MONDO:0010375, OMIM 300607.

Submission:

Labcorp Genetics (formerly Invitae), Labcorp
Classification: Uncertain significance for Developmental and epileptic encephalopathy, 8. Last evaluated: 2020-11-11. Review status: criteria provided, single submitter. Criteria: Invitae Variant Classification Sherloc (09022015). Collection method: clinical testing. Allele origin: germline.
Comment: In summary, the available evidence is currently insufficient to determine the role of this variant in disease. Therefore, it has been classified as a Variant of Uncertain Significance. Algorithms developed to predict the effect of missense changes on protein structure and function are either unavailable or do not agree on the potential impact of this missense change (SIFT: "Deleterious"; PolyPhen-2: "Benign"; Align-GVGD: "Class C15"). This variant has not been reported in the literature in individuals with ARHGEF9-related conditions. This variant is not present in population databases (ExAC no frequency). This sequence change replaces phenylalanine with leucine at codon 504 of the ARHGEF9 protein (p.Phe504Leu). The phenylalanine residue is highly conserved and there is a small physicochemical difference between phenylalanine and leucine.